The following is an entry in ClinVar:

ClinVar aggregate classification (germline): Uncertain significance (1 of 4 stars; one submission).

Conditions:
Wilms tumor 1 (WT1). Also called: Wilms tumor, somatic. Identifiers: Orphanet 654, MedGen CN033288, MONDO:0008679, OMIM 194070.

Submission:

Labcorp Genetics (formerly Invitae), Labcorp
Classification: Uncertain significance for Wilms tumor 1. Last evaluated: 2023-08-23. Review status: criteria provided, single submitter. Criteria: Invitae Variant Classification Sherloc (09022015). Collection method: clinical testing. Allele origin: germline.
Comment: In summary, the available evidence is currently insufficient to determine the role of this variant in disease. Therefore, it has been classified as a Variant of Uncertain Significance. Advanced modeling of protein sequence and biophysical properties (such as structural, functional, and spatial information, amino acid conservation, physicochemical variation, residue mobility, and thermodynamic stability) performed at Invitae indicates that this missense variant is expected to disrupt GPC3 protein function. ClinVar contains an entry for this variant (Variation ID: 954157). This variant has not been reported in the literature in individuals affected with GPC3-related conditions. This variant is not present in population databases (gnomAD no frequency). This sequence change replaces leucine, which is neutral and non-polar, with methionine, which is neutral and non-polar, at codon 174 of the GPC3 protein (p.Leu174Met).

NM_004484.4(GPC3):c.520C>A (p.Leu174Met)

Gene: GPC3 (glypican 3; minus strand). Cytogenetic location: Xq26.2.
Variant type: single nucleotide variant.
Coding change: c.520C>A on transcript NM_004484.4 (MANE Select); coding-DNA position 520, C replaced by A.
Protein change: p.Leu174Met; replaces leucine 174 with methionine.
Molecular consequence: missense variant.
Genome position (GRCh38, 1-based): chrX:133,753,994, G>T on the plus strand (C>A on the coding strand, the complement: GPC3 is on the minus strand). VCF-style: chrX-133753994-G-T. GRCh37 (hg19) VCF-style: chrX-132888021-G-T.
Other names: c.520C>A, p.Leu174Met (NM_001164617.2); c.472C>A, p.Leu158Met (NM_001164618.2); c.358C>A, p.Leu120Met (NM_001164619.2); short protein forms L120M, L174M, L158M.
Identifiers: ClinVar variation 954157 (VCV000954157.10), dbSNP rs1603240710, ClinGen allele CA414706437.